The following is an entry in ClinVar:

ClinVar aggregate classification (germline): Uncertain significance. Review status: criteria provided, single submitter (1 of 4 stars). 2 submissions from 2 submitters: Uncertain significance (1). 1 of the submissions does not count toward it. Last evaluated 2023-03-22.

Conditions:
Hereditary cancer-predisposing syndrome. Also called: Hereditary Cancer Syndrome; Hereditary neoplastic syndrome; Neoplastic Syndromes, Hereditary; Tumor predisposition. Identifiers: Orphanet 140162, MedGen C0027672, MeSH D009386, MONDO:0015356.
Microcephaly, normal intelligence and immunodeficiency (NBS). Also called: Ataxia telangiectasia variant V1; IMMUNODEFICIENCY, MICROCEPHALY, AND CHROMOSOMAL INSTABILITY; SEEMANOVA SYNDROME II; Nijmegen breakage syndrome; Microcephaly with normal intelligence immunodeficiency and lymphoreticular malignancies; Nonsyndromal microcephaly autosomal recessive with normal intelligence. Identifiers: Orphanet 647, MedGen C0398791, MONDO:0009623, OMIM 251260.

Allele frequency attached by ClinVar (database versions not stated): gnomAD exomes below 0.00001; ExAC 0.00001.
gnomAD v4.1: 1 of 1,607,746 alleles (0.000062%); highest among the groups gnomAD compares: South Asian, 0.0011%; no homozygotes.

Submissions (2):

Ambry Genetics
Classification: Uncertain significance for Hereditary cancer-predisposing syndrome. Last evaluated: 2023-03-22. Review status: criteria provided, single submitter. Criteria: Ambry Variant Classification Scheme 2023. Collection method: clinical testing. Allele origin: germline.
Comment: The c.2235-2A>G intronic variant results from an A to G substitution two nucleotides upstream from coding exon 16 in the NBN gene. Alterations that disrupt the canonical splice site are expected to result in aberrant splicing. In silico analysis predicts that this alteration will abolish the native splice acceptor site and may result in the creation or strengthening of a novel splice acceptor site. This novel site, if utilized, would result in an in-frame transcript with unknown functional impact; however, direct evidence is unavailable. Since supporting evidence is limited at this time, the clinical significance of this alteration remains unclear.

Counsyl
Classification: Likely pathogenic for Microcephaly, normal intelligence and immunodeficiency. Last evaluated: 2017-09-01. Review status: no assertion criteria provided. Collection method: clinical testing. Allele origin: unknown. Not counted in ClinVar's aggregate classification.

Literature cited by the submitters: PubMed 15758953 (cited by Ambry Genetics and Counsyl).

NM_002485.5(NBN):c.2235-2A>G

Gene: NBN (nibrin; minus strand). Cytogenetic location: 8q21.3.
Variant type: single nucleotide variant.
Coding change: c.2235-2A>G on transcript NM_002485.5 (MANE Select); the canonical splice acceptor site of the intron before coding-DNA position 2235, A replaced by G.
Molecular consequence: splice acceptor variant.
Genome position (GRCh38, 1-based): chr8:89,935,614, T>C on the plus strand (A>G on the coding strand, the complement: NBN is on the minus strand). VCF-style: chr8-89935614-T-C. GRCh37 (hg19) VCF-style: chr8-90947842-T-C.
Other names: c.1989-2A>G (NM_001024688.3).
Identifiers: ClinVar variation 553637 (VCV000553637.4), dbSNP rs767094704, ClinGen allele CA4802564.